The following is an entry in ClinVar:

ClinVar aggregate classification (germline): Uncertain significance (1 of 4 stars; one submission).

Submission:

GeneDx
Classification: Uncertain significance. Last evaluated: 2024-11-24. Review status: criteria provided, single submitter. Criteria: GeneDx Variant Classification Process June 2021. Collection method: clinical testing. Allele origin: germline. Affected: yes.
Comment: Not observed at significant frequency in large population cohorts (gnomAD); In silico analysis supports that this missense variant has a deleterious effect on protein structure/function; Has not been previously published as pathogenic or benign to our knowledge

NM_015057.5(MYCBP2):c.2852A>G (p.His951Arg)

Gene: MYCBP2 (MYC binding protein 2; minus strand). Cytogenetic location: 13q22.3.
Variant type: single nucleotide variant.
Coding change: c.2852A>G on transcript NM_015057.5 (MANE Select); coding-DNA position 2852, A replaced by G.
Protein change: p.His951Arg; replaces histidine 951 with arginine.
Molecular consequence: missense variant.
Genome position (GRCh38, 1-based): chr13:77,225,440, T>C on the plus strand (A>G on the coding strand, the complement: MYCBP2 is on the minus strand). VCF-style: chr13-77225440-T-C. GRCh37 (hg19) VCF-style: chr13-77799575-T-C.
Other names: short protein forms H951R.
Identifiers: ClinVar variation 3900054 (VCV003900054.1).